The following is an entry in ClinVar:

NM_001267550.2(TTN):c.42829A>T (p.Ile14277Phe)

Gene: TTN (titin; minus strand). Cytogenetic location: 2q31.2.
Variant type: single nucleotide variant.
Coding change: c.42829A>T on transcript NM_001267550.2 (MANE Select); coding-DNA position 42829, A replaced by T.
Protein change: p.Ile14277Phe; replaces isoleucine 14277 with phenylalanine.
Molecular consequence: missense variant.
Genome position (GRCh38, 1-based): chr2:178,633,530, T>A on the plus strand (A>T on the coding strand, the complement: TTN is on the minus strand). VCF-style: chr2-178633530-T-A. GRCh37 (hg19) VCF-style: chr2-179498257-T-A.
Other names: c.37906A>T, p.Ile12636Phe (NM_001256850.1); c.16009A>T, p.Ile5337Phe (NM_133432.3); c.16210A>T, p.Ile5404Phe (NM_133437.4); c.15634A>T, p.Ile5212Phe (NM_003319.4); c.35125A>T, p.Ile11709Phe (NM_133378.4); short protein forms I14277F, I11709F, I5212F, I12636F, I5337F, I5404F.
Identifiers: ClinVar variation 46960 (VCV000046960.16), dbSNP rs397517568, ClinGen allele CA139638.

ClinVar aggregate classification (germline): Uncertain significance. Review status: criteria provided, multiple submitters, no conflicts (2 of 4 stars). 5 submissions from 5 submitters: Uncertain significance (5). Last evaluated 2021-07-26.

Conditions:
Cardiovascular phenotype. Identifiers: MedGen CN230736.
Dilated cardiomyopathy 1G (CMD1G). Identifiers: Orphanet 154, MedGen C1858763, MONDO:0011400, OMIM 604145.
Autosomal recessive limb-girdle muscular dystrophy type 2J (LGMDR10). Also called: Limb-girdle muscular dystrophy, type 2J; MUSCULAR DYSTROPHY, LIMB-GIRDLE, AUTOSOMAL RECESSIVE 10. Identifiers: Orphanet 140922, MedGen C1837342, MONDO:0012127, OMIM 608807.
Hypertrophic cardiomyopathy 9. Also called: Familial hypertrophic cardiomyopathy 9. Identifiers: MedGen C1861065, MONDO:0013412, OMIM 613765.
Tibial muscular dystrophy (TMD). Also called: Tibial muscular dystrophy, tardive; UDD MYOPATHY; Udd Distal Myopathy – Tibial Muscular Dystrophy. Identifiers: Orphanet 609, MedGen C1838244, MONDO:0010870, OMIM 600334.
Myopathy, myofibrillar, 9, with early respiratory failure (MFM9). Also called: MYOPATHY, PROXIMAL, WITH EARLY RESPIRATORY MUSCLE INVOLVEMENT; Myopathy, distal, with early respiratory failure, autosomal dominant; Hereditary myopathy with early respiratory failure; EDSTROM MYOPATHY. Identifiers: Orphanet 178464, Orphanet 34521, MedGen C1863599, MONDO:0011362, OMIM 603689.
Early-onset myopathy with fatal cardiomyopathy (CMYO5). Also called: CONGENITAL MYOPATHY 5 WITH CARDIOMYOPATHY; Salih Myopathy. Identifiers: Orphanet 289377, MedGen C2673677, MONDO:0012714, OMIM 611705. Disease mechanism: loss of function.

Allele frequency attached by ClinVar (database versions not stated): TOPMed below 0.00001; ExAC 0.00001; gnomAD exomes 0.00001.
gnomAD v4.1: 11 of 1,613,430 alleles (0.00068%); highest among the groups gnomAD compares: Non-Finnish European, 0.00085%; no homozygotes.

Submissions (5):

Fulgent Genetics
Classification: Uncertain significance for Tibial muscular dystrophy; Myopathy, myofibrillar, 9, with early respiratory failure; Dilated cardiomyopathy 1G; Autosomal recessive limb-girdle muscular dystrophy type 2J; Early-onset myopathy with fatal cardiomyopathy; Hypertrophic cardiomyopathy 9. Last evaluated: 2021-07-26. Review status: criteria provided, single submitter. Criteria: ACMG Guidelines, 2015. Collection method: clinical testing. Allele origin: unknown.

Labcorp Genetics (formerly Invitae), Labcorp
Classification: Uncertain significance for Dilated cardiomyopathy 1G; Autosomal recessive limb-girdle muscular dystrophy type 2J. Last evaluated: 2017-11-06. Review status: criteria provided, single submitter. Criteria: Invitae Variant Classification Sherloc (09022015). Collection method: clinical testing. Allele origin: germline.

Ambry Genetics
Classification: Uncertain significance for Cardiovascular phenotype. Last evaluated: 2017-04-21. Review status: criteria provided, single submitter. Criteria: Ambry Variant Classification Scheme 2023. Collection method: clinical testing. Allele origin: germline.
Comment: The p.I5212F variant (also known as c.15634A>T), located in coding exon 59 of the TTN gene, results from an A to T substitution at nucleotide position 15634. The isoleucine at codon 5212 is replaced by phenylalanine, an amino acid with highly similar properties. This amino acid position is not well conserved in available vertebrate species. In addition, this alteration is predicted to be tolerated by in silico analysis. Since supporting evidence is limited at this time, the clinical significance of this alteration remains unclear.

Eurofins Ntd Llc (ga)
Classification: Uncertain significance. Last evaluated: 2016-12-06. Review status: criteria provided, single submitter. Criteria: EGL Classification Definitions 2015. Collection method: clinical testing. Allele origin: germline. Observed: 1 variant allele, 1 heterozygote.

Laboratory for Molecular Medicine, Mass General Brigham Personalized Medicine
Classification: Uncertain significance. Last evaluated: 2013-10-29. Review status: criteria provided, single submitter. Criteria: LMM Criteria. Collection method: clinical testing. Allele origin: germline. Observed: 1 variant allele.
Comment: This variant has not been identified in large population studies. Computational analyses (biochemica l amino acid properties, conservation, AlignGVGD, and PolyPhen2) suggest that th is variant may not impact the protein, though this information is not predictive enough to rule out pathogenicity. Additional information is needed to fully as sess the clinical significance of this variant.